The following is an entry in ClinVar:

ClinVar aggregate classification (germline): Uncertain significance (1 of 4 stars; one submission).

Conditions:
Parathyroid carcinoma (PRTC). Also called: CDC73-Related Parathyroid Carcinoma; Parathyroid gland carcinoma. Identifiers: Orphanet 143, MedGen C0687150, MONDO:0012004, OMIM 608266, HP:0006780.

Submission:

Labcorp Genetics (formerly Invitae), Labcorp
Classification: Uncertain significance for Parathyroid carcinoma. Last evaluated: 2022-02-03. Review status: criteria provided, single submitter. Criteria: Invitae Variant Classification Sherloc (09022015). Collection method: clinical testing. Allele origin: germline.
Comment: This sequence change falls in intron 7 of the CDC73 gene. It does not directly change the encoded amino acid sequence of the CDC73 protein. It affects a nucleotide within the consensus splice site. This variant is not present in population databases (gnomAD no frequency). This variant has not been reported in the literature in individuals affected with CDC73-related conditions. Variants that disrupt the consensus splice site are a relatively common cause of aberrant splicing (PMID: 17576681, 9536098). Algorithms developed to predict the effect of sequence changes on RNA splicing suggest that this variant is not likely to affect RNA splicing. In summary, the available evidence is currently insufficient to determine the role of this variant in disease. Therefore, it has been classified as a Variant of Uncertain Significance.

Literature cited by the submitters: PubMed 17576681; PubMed 9536098.

NM_024529.5(CDC73):c.729+5T>C

Gene: CDC73 (cell division cycle 73; plus strand). Cytogenetic location: 1q31.2.
Variant type: single nucleotide variant.
Coding change: c.729+5T>C on transcript NM_024529.5 (MANE Select); 5 bases into the intron after coding-DNA position 729, T replaced by C.
Molecular consequence: intron variant.
Genome position (GRCh38, 1-based): chr1:193,142,071, T>C. VCF-style: chr1-193142071-T-C. GRCh37 (hg19) VCF-style: chr1-193111201-T-C.
Identifiers: ClinVar variation 2092342 (VCV002092342.4), dbSNP rs1675915856, ClinGen allele CA2580061767.